The following is an entry in ClinVar:

ClinVar aggregate classification (germline): Uncertain significance. Review status: criteria provided, multiple submitters, no conflicts (2 of 4 stars). 2 submissions from 2 submitters: Uncertain significance (2). Last evaluated 2022-04-17.

Conditions:
Pyridoxal phosphate-responsive seizures (PNPOD). Also called: Pyridoxamine 5-Prime-Phosphate Oxidase Deficiency; Pyridoxine-5'-phosphate oxidase deficiency; Pyridoxal 5'-Phosphate (PLP)-Dependent Epilepsy; EPILEPTIC ENCEPHALOPATHY, NEONATAL, PNPO-RELATED; SEIZURES, PYRIDOXINE-RESISTANT, PLP-SENSITIVE. Identifiers: Orphanet 79096, MedGen C1864723, MONDO:0012407, OMIM 610090. Disease mechanism: loss of function.

Allele frequency attached by ClinVar (database versions not stated): gnomAD exomes below 0.00001; gnomAD 0.00001.
gnomAD v4.1: 2 of 1,614,078 alleles (0.00012%); highest among the groups gnomAD compares: African/African-American, 0.0027%; no homozygotes.

Submissions (2):

Labcorp Genetics (formerly Invitae), Labcorp
Classification: Uncertain significance for Pyridoxal phosphate-responsive seizures. Last evaluated: 2022-04-17. Review status: criteria provided, single submitter. Criteria: Invitae Variant Classification Sherloc (09022015). Collection method: clinical testing. Allele origin: germline.
Comment: Algorithms developed to predict the effect of missense changes on protein structure and function output the following: SIFT: "Tolerated"; PolyPhen-2: "Benign"; Align-GVGD: "Class C0". The alanine amino acid residue is found in multiple mammalian species, which suggests that this missense change does not adversely affect protein function. In summary, the available evidence is currently insufficient to determine the role of this variant in disease. Therefore, it has been classified as a Variant of Uncertain Significance. ClinVar contains an entry for this variant (Variation ID: 1304657). This variant has not been reported in the literature in individuals affected with PNPO-related conditions. This variant is not present in population databases (gnomAD no frequency). This sequence change replaces threonine, which is neutral and polar, with alanine, which is neutral and non-polar, at codon 238 of the PNPO protein (p.Thr238Ala).

GeneDx
Classification: Uncertain significance. Last evaluated: 2022-01-03. Review status: criteria provided, single submitter. Criteria: GeneDx Variant Classification Process June 2021. Collection method: clinical testing. Allele origin: germline. Affected: yes.
Comment: Not observed at significant frequency in large population cohorts (gnomAD); In silico analysis supports that this missense variant does not alter protein structure/function; Has not been previously published as pathogenic or benign to our knowledge

NM_018129.4(PNPO):c.712A>G (p.Thr238Ala)

Gene: PNPO (pyridoxamine 5'-phosphate oxidase; plus strand). Cytogenetic location: 17q21.32.
Variant type: single nucleotide variant.
Coding change: c.712A>G on transcript NM_018129.4 (MANE Select); coding-DNA position 712, A replaced by G.
Protein change: p.Thr238Ala; replaces threonine 238 with alanine.
Molecular consequence: missense variant.
Genome position (GRCh38, 1-based): chr17:47,946,708, A>G. VCF-style: chr17-47946708-A-G. GRCh37 (hg19) VCF-style: chr17-46024074-A-G.
Other names: short protein forms T238A.
Identifiers: ClinVar variation 1304657 (VCV001304657.7), dbSNP rs2036015392, ClinGen allele CA400062946.